The following is an entry in ClinVar:

NM_004656.4(BAP1):c.1196A>G (p.Asp399Gly)

Gene: BAP1 (BRCA1 associated deubiquitinase 1; minus strand). Cytogenetic location: 3p21.1.
Variant type: single nucleotide variant.
Coding change: c.1196A>G on transcript NM_004656.4 (MANE Select); coding-DNA position 1196, A replaced by G.
Protein change: p.Asp399Gly; replaces aspartic acid 399 with glycine.
Molecular consequence: missense variant.
Genome position (GRCh38, 1-based): chr3:52,404,507, T>C on the plus strand (A>G on the coding strand, the complement: BAP1 is on the minus strand). VCF-style: chr3-52404507-T-C. GRCh37 (hg19) VCF-style: chr3-52438523-T-C.
Other names: c.1142A>G, p.Asp381Gly (NM_001410772.1); short protein forms D399G, D381G.
Identifiers: ClinVar variation 2073590 (VCV002073590.5), dbSNP rs2153226852, ClinGen allele CA353103035.

ClinVar aggregate classification (germline): Uncertain significance. Review status: criteria provided, multiple submitters, no conflicts (2 of 4 stars). 2 submissions from 2 submitters: Uncertain significance (2). Last evaluated 2024-11-05.

Conditions:
Hereditary cancer-predisposing syndrome. Also called: Neoplastic Syndromes, Hereditary; Hereditary Cancer Syndrome; Tumor predisposition; Hereditary neoplastic syndrome. Identifiers: Orphanet 140162, MedGen C0027672, MeSH D009386, MONDO:0015356.
BAP1-related tumor predisposition syndrome (TPDS1). Also called: Tumor susceptibility linked to germline BAP1 mutations; COMMON Syndrome; BAP1 tumor predisposition syndrome; TUMOR PREDISPOSITION SYNDROME 1. Identifiers: Orphanet 289539, MedGen C3280492, MONDO:0013692, OMIM 614327.

Allele frequency attached by ClinVar (database versions not stated): gnomAD exomes below 0.00001.
gnomAD v4.1: 1 of 1,614,198 alleles (0.000062%); highest among the groups gnomAD compares: South Asian, 0.0011%; no homozygotes.

Submissions (2):

Ambry Genetics
Classification: Uncertain significance for Hereditary cancer-predisposing syndrome. Last evaluated: 2024-11-05. Review status: criteria provided, single submitter. Criteria: Ambry Variant Classification Scheme 2023. Collection method: clinical testing. Allele origin: germline.
Comment: The p.D399G variant (also known as c.1196A>G), located in coding exon 12 of the BAP1 gene, results from an A to G substitution at nucleotide position 1196. The aspartic acid at codon 399 is replaced by glycine, an amino acid with similar properties. This amino acid position is conserved. In addition, this alteration is predicted to be tolerated by in silico analysis. Based on the available evidence, the clinical significance of this variant remains unclear.

Labcorp Genetics (formerly Invitae), Labcorp
Classification: Uncertain significance for BAP1-related tumor predisposition syndrome. Last evaluated: 2024-01-14. Review status: criteria provided, single submitter. Criteria: Invitae Variant Classification Sherloc (09022015). Collection method: clinical testing. Allele origin: germline.
Comment: This sequence change replaces aspartic acid, which is acidic and polar, with glycine, which is neutral and non-polar, at codon 399 of the BAP1 protein (p.Asp399Gly). This variant is not present in population databases (gnomAD no frequency). This variant has not been reported in the literature in individuals affected with BAP1-related conditions. ClinVar contains an entry for this variant (Variation ID: 2073590). Advanced modeling of protein sequence and biophysical properties (such as structural, functional, and spatial information, amino acid conservation, physicochemical variation, residue mobility, and thermodynamic stability) performed at Invitae indicates that this missense variant is not expected to disrupt BAP1 protein function with a negative predictive value of 80%. In summary, the available evidence is currently insufficient to determine the role of this variant in disease. Therefore, it has been classified as a Variant of Uncertain Significance.